The following is an entry in ClinVar:

NM_001127671.2(LIFR):c.280G>A (p.Glu94Lys)

Gene: LIFR (LIF receptor subunit alpha; minus strand). Cytogenetic location: 5p13.1.
Variant type: single nucleotide variant.
Coding change: c.280G>A on transcript NM_001127671.2 (MANE Select); coding-DNA position 280, G replaced by A.
Protein change: p.Glu94Lys; replaces glutamic acid 94 with lysine.
Molecular consequence: missense variant.
Genome position (GRCh38, 1-based): chr5:38,527,272, C>T on the plus strand (G>A on the coding strand, the complement: LIFR is on the minus strand). VCF-style: chr5-38527272-C-T. GRCh37 (hg19) VCF-style: chr5-38527374-C-T.
Other names: c.280G>A, p.Glu94Lys (NM_001364297.2, NM_001364298.2, NM_002310.6); short protein forms E94K.
Identifiers: ClinVar variation 3393678 (VCV003393678.1).

ClinVar aggregate classification (germline): Uncertain significance (1 of 4 stars; one submission).

gnomAD v4.1: 10 of 1,589,868 alleles (0.00063%); highest among the groups gnomAD compares: Non-Finnish European, 0.00086%; no homozygotes.

Submission:

GeneDx
Classification: Uncertain significance. Last evaluated: 2024-07-01. Review status: criteria provided, single submitter. Criteria: GeneDx Variant Classification Process June 2021. Collection method: clinical testing. Allele origin: germline. Affected: yes.
Comment: Not observed at significant frequency in large population cohorts (gnomAD); In silico analysis supports that this missense variant has a deleterious effect on protein structure/function; Has not been previously published as pathogenic or benign to our knowledge